The following is an entry in ClinVar:

NM_033409.4(SLC52A3):c.1311G>C (p.Gln437His)

Gene: SLC52A3 (solute carrier family 52 member 3; minus strand). Cytogenetic location: 20p13.
Variant type: single nucleotide variant.
Coding change: c.1311G>C on transcript NM_033409.4 (MANE Select); coding-DNA position 1311, G replaced by C.
Protein change: p.Gln437His; replaces glutamine 437 with histidine.
Molecular consequence: missense variant.
Genome position (GRCh38, 1-based): chr20:761,125, C>G on the plus strand (G>C on the coding strand, the complement: SLC52A3 is on the minus strand). VCF-style: chr20-761125-C-G. GRCh37 (hg19) VCF-style: chr20-741769-C-G.
Other names: c.1311G>C, p.Gln437His (NM_001370085.1, NM_001370086.1); short protein forms Q437H.
Identifiers: ClinVar variation 476601 (VCV000476601.8), dbSNP rs1555783468, ClinGen allele CA407961899.
Genomic context (GRCh38, chr20:761,125, plus strand): 5'-GAAGAGCCGCAGCACGTTGACCAGAGGGAACATGAGCAGCGCTCCGAGCAGCGAGCCCAG[C>G]TGCACCGCCGCCCCGCACCACAAGAGGGCGCTGCGGCTGAGGTCGCGCAGGACCACGCCC-3'
Protein context (NP_212134.3, residues 427-447): SALLWCGAAV[Gln437His]LGSLLGALLM

ClinVar aggregate classification (germline): Uncertain significance (1 of 4 stars; one submission).

Conditions:
Brown-Vialetto-van Laere syndrome 1. Also called: BROWN-VIALETTO-VAN LAERE SYNDROME 1, MILD; BULBAR PALSY, PROGRESSIVE, WITH SENSORINEURAL DEAFNESS; PONTOBULBAR PALSY WITH DEAFNESS. Identifiers: Orphanet 572550, Orphanet 97229, MedGen C0796274, MONDO:0024537, OMIM 211530.

Submission:

Labcorp Genetics (formerly Invitae), Labcorp
Classification: Uncertain significance for Brown-Vialetto-van Laere syndrome 1. Last evaluated: 2017-07-10. Review status: criteria provided, single submitter. Criteria: Invitae Variant Classification Sherloc (09022015). Collection method: clinical testing. Allele origin: germline.
Comment: This sequence change replaces glutamine with histidine at codon 437 of the SLC52A3 protein (p.Gln437His). The glutamine residue is highly conserved and there is a small physicochemical difference between glutamine and histidine. This variant is not present in population databases (ExAC no frequency). This variant has not been reported in the literature in individuals with SLC52A3-related disease. Algorithms developed to predict the effect of missense changes on protein structure and function do not agree on the potential impact of this missense change (SIFT: "Deleterious"; PolyPhen-2: "Probably Damaging"; Align-GVGD: "Class C15"). In summary, the available evidence is currently insufficient to determine the role of this variant in disease. Therefore, it has been classified as a Variant of Uncertain Significance.